The following is an entry in ClinVar:

NM_004329.3(BMPR1A):c.-268+7545_-268+7547del

Gene: BMPR1A (bone morphogenetic protein receptor type 1A; plus strand). Cytogenetic location: 10q23.2.
Variant type: Deletion.
Coding change: c.-268+7545_-268+7547del on transcript NM_004329.3 (MANE Select); bases 7545 to 7547 of the intron after 268 bases upstream of the start codon, 3 bases deleted (TGG; older notation c.-268+7545_-268+7547delTGG).
Molecular consequence: intron variant.
Genome position (GRCh38, 1-based): chr10:86,764,464-86,764,466, TGG deleted; deleting any 3 consecutive bases within chr10:86,764,463-86,764,466 gives the same sequence; the c. name uses the placement nearest the transcript's 3' end. VCF-style (leftmost placement, unchanged base first): chr10-86764462-TGTG-T. GRCh37 (hg19) VCF-style: chr10-88524219-TGTG-T.
Identifiers: ClinVar variation 1700805 (VCV001700805.2), dbSNP rs200331993, ClinGen allele CA211188942.

ClinVar aggregate classification (germline): Likely benign (1 of 4 stars; one submission).

Submission:

GeneDx
Classification: Likely benign. Last evaluated: 2021-05-22. Review status: criteria provided, single submitter. Criteria: GeneDx Variant Classification Process June 2021. Collection method: clinical testing. Allele origin: germline. Affected: yes.
Comment: See Variant Classification Assertion Criteria.